The following is an entry in ClinVar:

NM_002853.4(RAD1):c.519G>A (p.Thr173=)

Genes: RAD1 (RAD1 checkpoint DNA exonuclease; minus strand), TTC23L (tetratricopeptide repeat domain 23 like; plus strand). Cytogenetic location: 5p13.2.
Variant type: single nucleotide variant.
Coding change: c.519G>A on transcript NM_002853.4 (MANE Select); coding-DNA position 519, G replaced by A.
Protein change: p.Thr173=; no amino-acid change (threonine 173 retained).
Molecular consequence: synonymous variant. On other transcripts: non-coding transcript variant (1).
Genome position (GRCh38, 1-based): chr5:34,911,601, C>T on the plus strand (G>A on the coding strand, the complement: RAD1 is on the minus strand). VCF-style: chr5-34911601-C-T. GRCh37 (hg19) VCF-style: chr5-34911706-C-T.
Other names: NC_000005.9:g.34911706C>T.
Identifiers: ClinVar variation 3042313 (VCV003042313.3), dbSNP rs147296059, ClinGen allele CA3227799.

ClinVar aggregate classification (germline): Likely benign (0 of 4 stars; one submission).

Conditions:
RAD1-related disorder. Also called: RAD1-related condition.

Allele frequency attached by ClinVar (database versions not stated): ESP Exome Variant Server 0.00038; 1000 Genomes Project 0.00060; TOPMed 0.00067; gnomAD 0.00075; 1000 Genomes Project 30x 0.00078; gnomAD exomes 0.00113; ExAC 0.00115.
gnomAD v4.1: 1,746 of 1,614,126 alleles (0.11%); highest among the groups gnomAD compares: Middle Eastern, 0.2%; 2 homozygotes.

Submissions (7):

PreventionGenetics, part of Exact Sciences
Classification: Likely benign for RAD1-related condition. Last evaluated: 2022-06-10. Review status: no assertion criteria provided. Collection method: clinical testing. Allele origin: germline.
Comment: This variant is classified as likely benign based on ACMG/AMP sequence variant interpretation guidelines (Richards et al. 2015 PMID: 25741868, with internal and published modifications).

Dr. Peter K. Rogan Lab, Western University
No classification provided (evidence only). Condition: Clear cell carcinoma of kidney. Review status: no classification provided. Collection method: in vitro. Allele origin: not applicable. Functional consequence: skipped exon. Not counted in ClinVar's aggregate classification.

Dr. Peter K. Rogan Lab, Western University
No classification provided (evidence only). Condition: Lung cancer. Review status: no classification provided. Collection method: in vitro. Allele origin: not applicable. Functional consequence: skipped exon. Not counted in ClinVar's aggregate classification.

Dr. Peter K. Rogan Lab, Western University
No classification provided (evidence only). Condition: Acute myeloid leukemia. Review status: no classification provided. Collection method: in vitro. Allele origin: not applicable. Functional consequence: skipped exon, retained intron. Not counted in ClinVar's aggregate classification.

Dr. Peter K. Rogan Lab, Western University
No classification provided (evidence only). Condition: Cervical cancer. Review status: no classification provided. Collection method: in vitro. Allele origin: not applicable. Functional consequence: retained intron. Not counted in ClinVar's aggregate classification.

Dr. Peter K. Rogan Lab, Western University
No classification provided (evidence only). Condition: Hepatocellular carcinoma. Review status: no classification provided. Collection method: in vitro. Allele origin: not applicable. Functional consequence: retained intron. Not counted in ClinVar's aggregate classification.

Dr. Peter K. Rogan Lab, Western University
No classification provided (evidence only). Condition: Gastric cancer. Review status: no classification provided. Collection method: in vitro. Allele origin: not applicable. Functional consequence: retained intron. Not counted in ClinVar's aggregate classification.